The following is an entry in ClinVar:

ClinVar aggregate classification (germline): Likely pathogenic (1 of 4 stars; one submission).

Conditions:
Nijmegen breakage syndrome-like disorder (NBSLD). Also called: MICROCEPHALY AND SPONTANEOUS CHROMOSOME INSTABILITY WITHOUT IMMUNODEFICIENCY; NBS-LIKE DISORDER; RAD50 DEFICIENCY. Identifiers: Orphanet 240760, MedGen C2751318, MONDO:0013118, OMIM 613078.

Submission:

First Genomix Gene Laboratory, Genetic Diagnostics Department
Classification: Likely pathogenic for Nijmegen breakage syndrome-like disorder. Last evaluated: 2025-05-30. Review status: criteria provided, single submitter. Criteria: ACMG Guidelines, 2015. Collection method: clinical testing. Allele origin: germline. Inheritance: Autosomal recessive inheritance. Affected: no. Observed: 1 variant allele.

NM_005732.4(RAD50):c.2983G>T (p.Glu995Ter)

Gene: RAD50 (RAD50 double strand break repair protein; plus strand). Cytogenetic location: 5q31.1.
Variant type: single nucleotide variant.
Coding change: c.2983G>T on transcript NM_005732.4 (MANE Select); coding-DNA position 2983, G replaced by T.
Protein change: p.Glu995Ter; replaces glutamic acid 995 with a stop codon.
Molecular consequence: nonsense.
Genome position (GRCh38, 1-based): chr5:132,609,343, G>T. VCF-style: chr5-132609343-G-T. GRCh37 (hg19) VCF-style: chr5-131945035-G-T.
Other names: short protein forms E995*.
Identifiers: ClinVar variation 4849427 (VCV004849427.1).
Genomic context (GRCh38, chr5:132,609,343, plus strand): 5'-CAAAAAGAAACTGAACTTAATAAAGTAATAGCTCAACTAAGTGAATGCGAGAAACACAAA[G>T]AAAAGATAAATGAAGATATGAGACTCATGAGACAAGATATTGATACACAGAAGGTAGGTC-3'